The following is an entry in ClinVar:

NM_001009944.3(PKD1):c.9585G>C (p.Trp3195Cys)

Gene: PKD1 (polycystin 1, transient receptor potential channel interacting; minus strand). Cytogenetic location: 16p13.3.
Variant type: single nucleotide variant.
Coding change: c.9585G>C on transcript NM_001009944.3 (MANE Select); coding-DNA position 9585, G replaced by C.
Protein change: p.Trp3195Cys; replaces tryptophan 3195 with cysteine.
Molecular consequence: missense variant.
Genome position (GRCh38, 1-based): chr16:2,100,293, C>G on the plus strand (G>C on the coding strand, the complement: PKD1 is on the minus strand). VCF-style: chr16-2100293-C-G. GRCh37 (hg19) VCF-style: chr16-2150294-C-G.
Other names: c.9585G>C, p.Trp3195Cys (NM_000296.4); short protein forms W3195C.
Identifiers: ClinVar variation 4813438 (VCV004813438.2).

ClinVar aggregate classification (germline): Uncertain significance. Review status: criteria provided, multiple submitters, no conflicts (2 of 4 stars). 2 submissions from 2 submitters: Uncertain significance (2). Last evaluated 2022-11-28.

Conditions:
Polycystic kidney disease, adult type (PKD1). Also called: Polycystic Kidney, Autosomal Dominant; POLYCYSTIC KIDNEY DISEASE, ADULT, TYPE I; Polycystic Kidney Disease 1, Autosomal Dominant; Polycystic kidney disease 1; Polycystic kidney disease 1, severe; POLYCYSTIC KIDNEY DISEASE 1 WITH OR WITHOUT POLYCYSTIC LIVER DISEASE. Identifiers: MedGen C3149841, MONDO:0008263, OMIM 173900.

Submissions (2):

Blueprint Genetics
Classification: Uncertain significance. Last evaluated: 2022-11-28. Review status: criteria provided, single submitter. Criteria: ACMG Guidelines, 2015. Collection method: clinical testing. Allele origin: germline.

MVZ Praenatalmedizin und Genetik Nuernberg
Classification: Uncertain significance for Polycystic kidney disease, adult type. Last evaluated: 2022-09-13. Review status: criteria provided, single submitter. Criteria: ACMG Guidelines, 2015. Collection method: clinical testing. Allele origin: germline.
Comment: Computer-based predictions (in silico) conducted for this purpose unanimously classify the variant as pathogenic. A literature search did not yield any additional information. These data suggest pathogenicity, but are not sufficient for classification. In summary, based on the current data, we assess this variant as having unclear clinical significance (VUS).